The following is an entry in ClinVar:

NM_015178.3(RHOBTB2):c.362T>C (p.Met121Thr)

Gene: RHOBTB2 (Rho related BTB domain containing 2; plus strand). Cytogenetic location: 8p21.3.
Variant type: single nucleotide variant.
Coding change: c.362T>C on transcript NM_015178.3 (MANE Select); coding-DNA position 362, T replaced by C.
Protein change: p.Met121Thr; replaces methionine 121 with threonine.
Molecular consequence: missense variant.
Genome position (GRCh38, 1-based): chr8:23,006,025, T>C. VCF-style: chr8-23006025-T-C. GRCh37 (hg19) VCF-style: chr8-22863538-T-C.
Other names: c.428T>C, p.Met143Thr (NM_001160036.2); c.383T>C, p.Met128Thr (NM_001160037.2); c.362T>C, p.Met121Thr (NM_001374791.1); short protein forms M121T, M128T, M143T.
Identifiers: ClinVar variation 3605769 (VCV003605769.2).

ClinVar aggregate classification (germline): Uncertain significance (1 of 4 stars; one submission).

Submission:

Labcorp Genetics (formerly Invitae), Labcorp
Classification: Uncertain significance. Last evaluated: 2024-12-30. Review status: criteria provided, single submitter. Criteria: Invitae Variant Classification Sherloc (09022015). Collection method: clinical testing. Allele origin: germline.
Comment: This sequence change replaces methionine, which is neutral and non-polar, with threonine, which is neutral and polar, at codon 143 of the RHOBTB2 protein (p.Met143Thr). This variant is present in population databases (no rsID available, gnomAD 0.0009%). This variant has not been reported in the literature in individuals affected with RHOBTB2-related conditions. Invitae Evidence Modeling of protein sequence and biophysical properties (such as structural, functional, and spatial information, amino acid conservation, physicochemical variation, residue mobility, and thermodynamic stability) indicates that this missense variant is not expected to disrupt RHOBTB2 protein function with a negative predictive value of 80%. In summary, the available evidence is currently insufficient to determine the role of this variant in disease. Therefore, it has been classified as a Variant of Uncertain Significance.